The following is an entry in ClinVar:

NM_001378454.1(ALMS1):c.9821_9830del (p.Thr3274fs)

Gene: ALMS1 (ALMS1 centrosome and basal body associated protein; plus strand). Cytogenetic location: 2p13.1.
Variant type: Deletion.
Coding change: c.9821_9830del on transcript NM_001378454.1 (MANE Select); coding-DNA positions 9821 to 9830, 10 bases deleted (CCAAGATGTA; older notation c.9821_9830delCCAAGATGTA).
Protein change: p.Thr3274fs; shifts the reading frame from threonine 3274.
Molecular consequence: frameshift variant.
Genome position (GRCh38, 1-based): chr2:73,534,863-73,534,872, CCAAGATGTA deleted; deleting any 10 consecutive bases within chr2:73,534,860-73,534,872 gives the same sequence; the c. name uses the placement nearest the transcript's 3' end. VCF-style (leftmost placement, unchanged base first): chr2-73534859-AGTACCAAGAT-A. GRCh37 (hg19) VCF-style: chr2-73761986-AGTACCAAGAT-A.
Other names: c.9824_9833del, p.Thr3275fs (NM_015120.4); short protein forms T3274fs, T3275fs.
Identifiers: ClinVar variation 4815812 (VCV004815812.1).

ClinVar aggregate classification (germline): Likely pathogenic (1 of 4 stars; one submission).

Conditions:
Alstrom syndrome (ALMS). Identifiers: Orphanet 64, MedGen C0268425, MONDO:0008763, OMIM 203800.

Submission:

Natera, Inc.
Classification: Likely pathogenic for Alstrom syndrome. Last evaluated: 2024-06-21. Review status: criteria provided, single submitter. Criteria: Natera Variant Classification Schema (03/2026). Collection method: clinical testing. Allele origin: germline.
Comment: The c.9824_9833del variant in ALMS1 is a frameshift variant predicted to shift the reading frame beginning at codon 3275 and leads to a stop codon 6 codons downstream. This variant is expected to result in nonsense mediated decay, truncation, or a dysfunctional protein product. This variant is rare in the general population with a frequency below the threshold expected for the associated phenotype(s). Given the available evidence, this variant is classified as Likely Pathogenic.